The following is an entry in ClinVar:

NM_000169.3(GLA):c.596T>G (p.Val199Gly)

Genes: GLA (galactosidase alpha; minus strand), RPL36A-HNRNPH2 (RPL36A-HNRNPH2 readthrough; plus strand). Cytogenetic location: Xq22.1.
Variant type: single nucleotide variant.
Coding change: c.596T>G on transcript NM_000169.3 (MANE Select); coding-DNA position 596, T replaced by G.
Protein change: p.Val199Gly; replaces valine 199 with glycine.
Molecular consequence: missense variant. On other transcripts: non-coding transcript variant (2), intron variant (2).
Genome position (GRCh38, 1-based): chrX:101,400,709, A>C on the plus strand (T>G on the coding strand, the complement: GLA is on the minus strand). VCF-style: chrX-101400709-A-C. GRCh37 (hg19) VCF-style: chrX-100655697-A-C.
Other names: c.719T>G, p.Val240Gly (NM_001406747.1); c.596T>G, p.Val199Gly (NM_001406748.1); c.300+5252A>C (NM_001199973.2); c.177+8887A>C (NM_001199974.2); short protein forms V199G, V240G.
Identifiers: ClinVar variation 595519 (VCV000595519.7), dbSNP rs781871113, ClinGen allele CA413927490.

ClinVar aggregate classification (germline): Uncertain significance. Review status: criteria provided, multiple submitters, no conflicts (2 of 4 stars). 2 submissions from 2 submitters: Uncertain significance (2). Last evaluated 2026-09-08.

Conditions:
Fabry disease. Also called: Fabry's disease; Angiokeratoma corporis diffusum; ALPHA-GALACTOSIDASE A DEFICIENCY; ANDERSON-FABRY DISEASE; CERAMIDE TRIHEXOSIDASE DEFICIENCY; GLA DEFICIENCY. Identifiers: Orphanet 324, MedGen C0002986, MONDO:0010526, OMIM 301500, HP:0001071. Disease mechanism: loss of function, Fabry disease is due to inactivating mutations in the X-linked GLA gene resulting in deficiency of the enzyme Alpha Galactosidase-A..

Submissions (2):

Genomenon, Inc
Classification: Uncertain significance for Fabry disease. Last evaluated: 2026-09-08. Review status: criteria provided, single submitter. Criteria: Genomenon Sequence Variant Interpretation Standards - Updated. Collection method: curation. Allele origin: germline. Affected: no.
Comment: GLA p.Val199Gly (c.596T>G) is a missense variant that changes the amino acid at codon 199 from Valine to Glycine. This variant has been reported in the published literature (PMID:27657681). It is absent or not present at a significant frequency in gnomAD. In silico models predict that this variant is possibly or probably damaging. In conclusion, we classify GLA p.Val199Gly (c.596T>G) as a variant of uncertain significance.

Eurofins Ntd Llc (ga)
Classification: Uncertain significance. Last evaluated: 2017-12-22. Review status: criteria provided, single submitter. Criteria: EGL Classification Definitions 2015. Collection method: clinical testing. Allele origin: germline. Observed: 1 variant allele, 1 hemizygote.

Literature cited by the submitters: PubMed 27657681 (cited by Genomenon, Inc).